The following is an entry in ClinVar:

ClinVar aggregate classification (germline): Uncertain significance (1 of 4 stars; one submission).

gnomAD v4.1: 1 of 1,614,226 alleles (0.000062%); highest among the groups gnomAD compares: Non-Finnish European, 0.000085%; no homozygotes.

Submission:

Labcorp Genetics (formerly Invitae), Labcorp
Classification: Uncertain significance. Last evaluated: 2024-06-28. Review status: criteria provided, single submitter. Criteria: Invitae Variant Classification Sherloc (09022015). Collection method: clinical testing. Allele origin: germline.
Comment: This sequence change replaces glycine, which is neutral and non-polar, with aspartic acid, which is acidic and polar, at codon 522 of the ZMYND11 protein (p.Gly522Asp). This variant is not present in population databases (gnomAD no frequency). This variant has not been reported in the literature in individuals affected with ZMYND11-related conditions. Advanced modeling of protein sequence and biophysical properties (such as structural, functional, and spatial information, amino acid conservation, physicochemical variation, residue mobility, and thermodynamic stability) performed at Invitae indicates that this missense variant is not expected to disrupt ZMYND11 protein function with a negative predictive value of 80%. In summary, the available evidence is currently insufficient to determine the role of this variant in disease. Therefore, it has been classified as a Variant of Uncertain Significance.

NM_001370100.5(ZMYND11):c.1565G>A (p.Gly522Asp)

Genes: ZMYND11 (zinc finger MYND-type containing 11; plus strand), LOC126860802 (BRD4-independent group 4 enhancer GRCh37_chr10:294268-295467; plus strand). Cytogenetic location: 10p15.3.
Variant type: single nucleotide variant.
Coding change: c.1565G>A on transcript NM_001370100.5 (MANE Select); coding-DNA position 1565, G replaced by A.
Protein change: p.Gly522Asp; replaces glycine 522 with aspartic acid.
Molecular consequence: missense variant. On other transcripts: non-coding transcript variant (1).
Genome position (GRCh38, 1-based): chr10:248,967, G>A. VCF-style: chr10-248967-G-A. GRCh37 (hg19) VCF-style: chr10-294907-G-A.
Other names: c.1403G>A, p.Gly468Asp (NM_001202464.3, NM_001202467.1, NM_001370103.2 and 6 more transcripts); c.1310G>A, p.Gly437Asp (NM_001202465.3, NM_001370110.2); c.1400G>A, p.Gly467Asp (NM_001202466.3, NM_001370111.2); c.1565G>A, p.Gly522Asp (NM_001202468.1, NM_001370097.3, NM_001370098.2 and 4 more transcripts); c.1514G>A, p.Gly505Asp (NM_001330057.3, NM_001370112.2); c.1259G>A, p.Gly420Asp (NM_001370122.2); c.1208G>A, p.Gly403Asp (NM_001370123.2); c.1094G>A, p.Gly365Asp (NM_001370124.3); and 8 more; short protein forms G420D, G473D, G500D, G521D, G522D, G403D, G437D, G505D.
Identifiers: ClinVar variation 3701793 (VCV003701793.2).